The following is an entry in ClinVar:

NM_032888.4(COL27A1):c.1258C>G (p.Arg420Gly)

Gene: COL27A1 (collagen type XXVII alpha 1 chain; plus strand). Cytogenetic location: 9q32.
Variant type: single nucleotide variant.
Coding change: c.1258C>G on transcript NM_032888.4 (MANE Select); coding-DNA position 1258, C replaced by G.
Protein change: p.Arg420Gly; replaces arginine 420 with glycine.
Molecular consequence: missense variant.
Genome position (GRCh38, 1-based): chr9:114,168,813, C>G. VCF-style: chr9-114168813-C-G. GRCh37 (hg19) VCF-style: chr9-116931093-C-G.
Other names: short protein forms R420G.
Identifiers: ClinVar variation 2154916 (VCV002154916.1), dbSNP rs375099559, ClinGen allele CA374593856.

ClinVar aggregate classification (germline): Uncertain significance (1 of 4 stars; one submission).

gnomAD v4.1: 9 of 1,613,910 alleles (0.00056%); highest among the groups gnomAD compares: Admixed American, 0.013%; no homozygotes.

Submission:

Labcorp Genetics (formerly Invitae), Labcorp
Classification: Uncertain significance. Last evaluated: 2022-07-05. Review status: criteria provided, single submitter. Criteria: Invitae Variant Classification Sherloc (09022015). Collection method: clinical testing. Allele origin: germline.
Comment: This sequence change replaces arginine, which is basic and polar, with glycine, which is neutral and non-polar, at codon 420 of the COL27A1 protein (p.Arg420Gly). This variant is present in population databases (no rsID available, gnomAD 0.02%). This variant has not been reported in the literature in individuals affected with COL27A1-related conditions. Advanced modeling of protein sequence and biophysical properties (such as structural, functional, and spatial information, amino acid conservation, physicochemical variation, residue mobility, and thermodynamic stability) performed at Invitae indicates that this missense variant is not expected to disrupt COL27A1 protein function. In summary, the available evidence is currently insufficient to determine the role of this variant in disease. Therefore, it has been classified as a Variant of Uncertain Significance.